The following is an entry in ClinVar:

ClinVar aggregate classification (germline): Uncertain significance (1 of 4 stars; one submission).

Conditions:
Primary ciliary dyskinesia. Also called: Ciliary dyskinesia. Identifiers: Orphanet 244, MedGen C0008780, MONDO:0016575, HP:0012265.

gnomAD v4.1: 3 of 1,613,938 alleles (0.00019%); highest among the groups gnomAD compares: Non-Finnish European, 0.00025%; no homozygotes.

Submission:

Labcorp Genetics (formerly Invitae), Labcorp
Classification: Uncertain significance for Primary ciliary dyskinesia. Last evaluated: 2025-03-05. Review status: criteria provided, single submitter. Criteria: Invitae Variant Classification Sherloc (09022015). Collection method: clinical testing. Allele origin: germline.
Comment: This sequence change replaces alanine, which is neutral and non-polar, with threonine, which is neutral and polar, at codon 1068 of the DNAH11 protein (p.Ala1068Thr). This variant is not present in population databases (gnomAD no frequency). This variant has not been reported in the literature in individuals affected with DNAH11-related conditions. Invitae Evidence Modeling of protein sequence and biophysical properties (such as structural, functional, and spatial information, amino acid conservation, physicochemical variation, residue mobility, and thermodynamic stability) indicates that this missense variant is not expected to disrupt DNAH11 protein function with a negative predictive value of 95%. In summary, the available evidence is currently insufficient to determine the role of this variant in disease. Therefore, it has been classified as a Variant of Uncertain Significance.

NM_001277115.2(DNAH11):c.3202G>A (p.Ala1068Thr)

Genes: DNAH11 (dynein axonemal heavy chain 11; plus strand), LOC126859961 (BRD4-independent group 4 enhancer GRCh37_chr7:21639662-21640861; plus strand). Cytogenetic location: 7p15.3.
Variant type: single nucleotide variant.
Coding change: c.3202G>A on transcript NM_001277115.2 (MANE Select); coding-DNA position 3202, G replaced by A.
Protein change: p.Ala1068Thr; replaces alanine 1068 with threonine.
Molecular consequence: missense variant.
Genome position (GRCh38, 1-based): chr7:21,600,877, G>A. VCF-style: chr7-21600877-G-A. GRCh37 (hg19) VCF-style: chr7-21640495-G-A.
Other names: short protein forms A1068T.
Identifiers: ClinVar variation 4701398 (VCV004701398.1).